The following is an entry in ClinVar:

ClinVar aggregate classification (germline): Uncertain significance. Review status: criteria provided, multiple submitters, no conflicts (2 of 4 stars). 2 submissions from 2 submitters: Uncertain significance (2). Last evaluated 2025-02-04.

gnomAD v4.1: 23 of 1,614,240 alleles (0.0014%); highest among the groups gnomAD compares: Non-Finnish European, 0.0019%; no homozygotes.

Submissions (2):

Mayo Clinic Laboratories, Mayo Clinic
Classification: Uncertain significance. Last evaluated: 2025-02-04. Review status: criteria provided, single submitter. Criteria: ACMG Guidelines, 2015. Collection method: clinical testing. Allele origin: germline. Observed: 1 variant allele.
Comment: PM2_supporting

GeneDx
Classification: Uncertain significance. Last evaluated: 2024-04-12. Review status: criteria provided, single submitter. Criteria: GeneDx Variant Classification Process June 2021. Collection method: clinical testing. Allele origin: germline. Affected: yes.
Comment: Not observed at significant frequency in large population cohorts (gnomAD); In silico analysis supports that this missense variant has a deleterious effect on protein structure/function; Has not been previously published as pathogenic or benign to our knowledge

NM_000552.5(VWF):c.8146T>C (p.Cys2716Arg)

Gene: VWF (von Willebrand factor; minus strand). Cytogenetic location: 12p13.31.
Variant type: single nucleotide variant.
Coding change: c.8146T>C on transcript NM_000552.5 (MANE Select); coding-DNA position 8146, T replaced by C.
Protein change: p.Cys2716Arg; replaces cysteine 2716 with arginine.
Molecular consequence: missense variant.
Genome position (GRCh38, 1-based): chr12:5,951,853, A>G on the plus strand (T>C on the coding strand, the complement: VWF is on the minus strand). VCF-style: chr12-5951853-A-G. GRCh37 (hg19) VCF-style: chr12-6061019-A-G.
Other names: p.Cys2716Arg; c.8146T>C (NM_000552.4); short protein forms C2716R.
Identifiers: ClinVar variation 3371083 (VCV003371083.2).